The following is an entry in ClinVar:

ClinVar aggregate classification (germline): Pathogenic/Likely pathogenic. Review status: criteria provided, multiple submitters, no conflicts (2 of 4 stars). 2 submissions from 2 submitters: Pathogenic (1); Likely pathogenic (1). Last evaluated 2022-03-01.

Conditions:
Hereditary spherocytosis type 3. Also called: Spherocytosis type 3; SPTA1-Related Spherocytosis. Identifiers: Orphanet 822, MedGen C2678338, MONDO:0010053, OMIM 270970.

Submissions (2):

Jiangsu Institute of Hematology, the First Affiliated Hospital of Soochow University
Classification: Pathogenic for Hereditary spherocytosis type 3. Last evaluated: 2022-03-01. Review status: criteria provided, single submitter. Criteria: ACMG Guidelines, 2015. Collection method: research. Allele origin: inherited. Affected: yes.

Mayo Clinic Laboratories, Mayo Clinic
Classification: Likely pathogenic. Last evaluated: 2019-10-04. Review status: criteria provided, single submitter. Criteria: ACMG Guidelines, 2015. Collection method: clinical testing. Allele origin: germline. Observed: 1 variant allele.
Comment: PVS1, PM2

NM_003126.4(SPTA1):c.660T>A (p.Tyr220Ter)

Gene: SPTA1 (spectrin alpha, erythrocytic 1; minus strand). Cytogenetic location: 1q23.1.
Variant type: single nucleotide variant.
Coding change: c.660T>A on transcript NM_003126.4 (MANE Select); coding-DNA position 660, T replaced by A.
Protein change: p.Tyr220Ter; replaces tyrosine 220 with a stop codon.
Molecular consequence: nonsense.
Genome position (GRCh38, 1-based): chr1:158,680,601, A>T on the plus strand (T>A on the coding strand, the complement: SPTA1 is on the minus strand). VCF-style: chr1-158680601-A-T. GRCh37 (hg19) VCF-style: chr1-158650391-A-T.
Other names: short protein forms Y220*.
Identifiers: ClinVar variation 1163757 (VCV001163757.31), dbSNP rs2101942740, ClinGen allele CA343020460.